The following is an entry in ClinVar:

NM_001903.5(CTNNA1):c.1613_1617dup (p.Arg540fs)

Gene: CTNNA1 (catenin alpha 1; plus strand). Cytogenetic location: 5q31.2.
Variant type: Duplication.
Coding change: c.1613_1617dup on transcript NM_001903.5 (MANE Select); coding-DNA positions 1613 to 1617, 5 bases duplicated (TGGAC; older notation c.1613_1617dupTGGAC).
Protein change: p.Arg540fs; shifts the reading frame from arginine 540.
Molecular consequence: frameshift variant.
Genome position (GRCh38, 1-based): chr5:138,924,576-138,924,580, TGGAC duplicated; duplicating any 5 consecutive bases within chr5:138,924,575-138,924,580 gives the same sequence; the c. name uses the placement nearest the transcript's 3' end. VCF-style (leftmost placement, unchanged base first): chr5-138924574-C-CCTGGA. GRCh37 (hg19) VCF-style: chr5-138260263-C-CCTGGA.
Other names: c.1613_1617dup (NM_001903.3); c.1613_1617dup, p.Arg540fs (NM_001290307.3, NM_001323982.2, NM_001323983.1 and 2 more transcripts); c.1304_1308dup, p.Arg437fs (NM_001290309.3); c.1244_1248dup, p.Arg417fs (NM_001290310.3); c.503_507dup, p.Arg170fs (NM_001290312.1, NM_001323987.1, NM_001323988.1 and 17 more transcripts); c.1520_1524dup, p.Arg509fs (NM_001323986.2); c.164_168dup, p.Arg57fs (NM_001324006.1, NM_001324007.1, NM_001324008.1 and 2 more transcripts); c.410_414dup, p.Arg139fs (NM_001324011.1); and 1 more; short protein forms R170fs, R437fs, R57fs, R89fs, R139fs, R417fs, R509fs, R540fs.
Identifiers: ClinVar variation 644723 (VCV000644723.12), dbSNP rs1580854940, ClinGen allele CA915942572.
Genomic context (GRCh38, chr5:138,924,574, plus strand): 5'-TCACATTTTGGAAGATGTGAACAAATGTGTCATTGCTCTCCAAGAGAAGGATGTGGATGG[C>CCTGGA]CTGGACCGCACAGCTGGTGCAATTCGAGGCCGGGCAGCCCGGGTCATTCACGTAGTCACC-3'

ClinVar aggregate classification (germline): Pathogenic. Review status: criteria provided, multiple submitters, no conflicts (2 of 4 stars). 3 submissions from 3 submitters: Pathogenic (3). Last evaluated 2025-06-06.

Conditions:
Hereditary diffuse gastric adenocarcinoma (HDGC). Also called: DIFFUSE GASTRIC AND LOBULAR BREAST CANCER SYNDROME. Identifiers: Orphanet 26106, MedGen C1708349, MONDO:0007648, OMIM 137215.
Hereditary cancer-predisposing syndrome. Also called: Neoplastic Syndromes, Hereditary; Hereditary Cancer Syndrome; Hereditary neoplastic syndrome; Tumor predisposition. Identifiers: Orphanet 140162, MedGen C0027672, MeSH D009386, MONDO:0015356.

Submissions (3):

Ambry Genetics
Classification: Pathogenic for Hereditary cancer-predisposing syndrome. Last evaluated: 2025-06-06. Review status: criteria provided, single submitter. Criteria: Ambry Variant Classification Scheme 2023. Collection method: clinical testing. Allele origin: germline.
Comment: The c.1613_1617dupTGGAC variant, located in coding exon 11 of the CTNNA1 gene, results from a duplication of TGGAC at nucleotide position 1613, causing a translational frameshift with a predicted alternate stop codon (p.R540Wfs*18). This alteration is expected to result in loss of function by premature protein truncation or nonsense-mediated mRNA decay. As such, this alteration is interpreted as a disease-causing mutation.

Myriad Genetics, Inc.
Classification: Pathogenic for Hereditary diffuse gastric adenocarcinoma. Last evaluated: 2023-12-13. Review status: criteria provided, single submitter. Criteria: Myriad Autosomal Dominant, Autosomal Recessive and X-Linked Classification Criteria (2023). Collection method: clinical testing. Allele origin: unknown.
Comment: This variant is considered pathogenic. This variant creates a frameshift predicted to result in premature protein truncation.

Labcorp Genetics (formerly Invitae), Labcorp
Classification: Pathogenic. Last evaluated: 2023-10-03. Review status: criteria provided, single submitter. Criteria: Invitae Variant Classification Sherloc (09022015). Collection method: clinical testing. Allele origin: germline.
Comment: This sequence change creates a premature translational stop signal (p.Arg540Trpfs*18) in the CTNNA1 gene. It is expected to result in an absent or disrupted protein product. Loss-of-function variants in CTNNA1 are known to be pathogenic (PMID: 32051609, 34425242). This variant is not present in population databases (gnomAD no frequency). This variant has not been reported in the literature in individuals affected with CTNNA1-related conditions. ClinVar contains an entry for this variant (Variation ID: 644723). For these reasons, this variant has been classified as Pathogenic.

Literature cited by the submitters: PubMed 32051609 (cited by Labcorp Genetics (formerly Invitae), Labcorp); PubMed 34425242 (cited by Labcorp Genetics (formerly Invitae), Labcorp).